The following is an entry in ClinVar:

NM_006648.4(WNK2):c.3745C>A (p.Gln1249Lys)

Gene: WNK2 (WNK lysine deficient protein kinase 2; plus strand). Cytogenetic location: 9q22.31.
Variant type: single nucleotide variant.
Coding change: c.3745C>A on transcript NM_006648.4 (MANE Select); coding-DNA position 3745, C replaced by A.
Protein change: p.Gln1249Lys; replaces glutamine 1249 with lysine.
Molecular consequence: missense variant.
Genome position (GRCh38, 1-based): chr9:93,267,794, C>A. VCF-style: chr9-93267794-C-A. GRCh37 (hg19) VCF-style: chr9-96030076-C-A.
Other names: c.3745C>A, p.Gln1249Lys (NM_001282394.3); short protein forms Q1249K.
Identifiers: ClinVar variation 3816433 (VCV003816433.1).

ClinVar aggregate classification (germline): Uncertain significance (1 of 4 stars; one submission).

gnomAD v4.1: 3 of 1,611,188 alleles (0.00019%); highest among the groups gnomAD compares: Non-Finnish European, 0.00025%; no homozygotes.

Submission:

Ambry Genetics
Classification: Uncertain significance. Last evaluated: 2024-12-12. Review status: criteria provided, single submitter. Criteria: Ambry Variant Classification Scheme 2023. Collection method: clinical testing. Allele origin: germline.
Comment: The p.Q1249K variant (also known as c.3745C>A), located in coding exon 16 of the WNK2 gene, results from a C to A substitution at nucleotide position 3745. The glutamine at codon 1249 is replaced by lysine, an amino acid with similar properties. This amino acid position is conserved. In addition, the in silico prediction for this alteration is inconclusive. Based on the available evidence, the clinical significance of this variant remains unclear.